The following is an entry in ClinVar:

ClinVar aggregate classification (germline): Benign/Likely benign. Review status: criteria provided, multiple submitters, no conflicts (2 of 4 stars). 3 submissions from 3 submitters: Benign (1); Likely benign (2). Last evaluated 2025-02-04.

Conditions:
Hereditary cancer-predisposing syndrome. Also called: Tumor predisposition; Hereditary neoplastic syndrome; Neoplastic Syndromes, Hereditary; Hereditary Cancer Syndrome. Identifiers: Orphanet 140162, MedGen C0027672, MeSH D009386, MONDO:0015356.
Hereditary nonpolyposis colorectal neoplasms. Identifiers: MedGen C0009405, MeSH D003123.
Lynch syndrome 4 (LYNCH4). Also called: Hereditary non-polyposis colorectal cancer, type 4; Colorectal cancer, hereditary nonpolyposis, type 4. Identifiers: Orphanet 144, MedGen C1838333, MONDO:0013699, OMIM 614337. Disease mechanism: loss of function.

Submissions (3):

Myriad Genetics, Inc.
Classification: Benign for Lynch syndrome 4. Last evaluated: 2025-02-04. Review status: criteria provided, single submitter. Criteria: Myriad Autosomal Dominant, Autosomal Recessive and X-Linked Classification Criteria (2023). Collection method: clinical testing. Allele origin: unknown.
Comment: This variant is considered benign. This variant is a silent/synonymous amino acid change and it is not expected to impact splicing.

Labcorp Genetics (formerly Invitae), Labcorp
Classification: Likely benign for Hereditary nonpolyposis colorectal neoplasms. Last evaluated: 2022-04-22. Review status: criteria provided, single submitter. Criteria: Invitae Variant Classification Sherloc (09022015). Collection method: clinical testing. Allele origin: germline.

Ambry Genetics
Classification: Likely benign for Hereditary cancer-predisposing syndrome. Last evaluated: 2020-10-08. Review status: criteria provided, single submitter. Criteria: Ambry Variant Classification Scheme 2023. Collection method: clinical testing. Allele origin: germline.

NM_000535.7(PMS2):c.2556C>T (p.His852=)

Gene: PMS2 (PMS1 homolog 2, mismatch repair system component; minus strand). Cytogenetic location: 7p22.1.
Variant type: single nucleotide variant.
Coding change: c.2556C>T on transcript NM_000535.7 (MANE Select); coding-DNA position 2556, C replaced by T.
Protein change: p.His852=; no amino-acid change (histidine 852 retained).
Molecular consequence: synonymous variant. On other transcripts: non-coding transcript variant (1).
Genome position (GRCh38, 1-based): chr7:5,973,432, G>A on the plus strand (C>T on the coding strand, the complement: PMS2 is on the minus strand). VCF-style: chr7-5973432-G-A. GRCh37 (hg19) VCF-style: chr7-6013063-G-A.
Other names: c.2151C>T, p.His717= (NM_001322003.2, NM_001322004.2, NM_001322005.2); c.2400C>T, p.His800= (NM_001322006.2); c.2238C>T, p.His746= (NM_001322007.2, NM_001322008.2); c.2184C>T, p.His728= (NM_001322009.2); c.1995C>T, p.His665= (NM_001322010.2); c.1623C>T, p.His541= (NM_001322011.2, NM_001322012.2); c.1983C>T, p.His661= (NM_001322013.2); c.2589C>T, p.His863= (NM_001322014.2); and 1 more.
Identifiers: ClinVar variation 751374 (VCV000751374.11), dbSNP rs1583269042, ClinGen allele CA453642014.